The following is an entry in ClinVar:

ClinVar aggregate classification (germline): Uncertain significance (1 of 4 stars; one submission).

Allele frequency attached by ClinVar (database versions not stated): gnomAD exomes below 0.00001 and 0.00001; ExAC 0.00001.
gnomAD v4.1: 3 of 1,614,054 alleles (0.00019%); highest among the groups gnomAD compares: East Asian, 0.0022%; no homozygotes.

Submission:

Labcorp Genetics (formerly Invitae), Labcorp
Classification: Uncertain significance. Last evaluated: 2024-02-27. Review status: criteria provided, single submitter. Criteria: Invitae Variant Classification Sherloc (09022015). Collection method: clinical testing. Allele origin: germline.
Comment: This sequence change replaces isoleucine, which is neutral and non-polar, with valine, which is neutral and non-polar, at codon 268 of the MARVELD2 protein (p.Ile268Val). This variant is present in population databases (rs749471157, gnomAD 0.006%). This variant has not been reported in the literature in individuals affected with MARVELD2-related conditions. ClinVar contains an entry for this variant (Variation ID: 1356139). Advanced modeling of protein sequence and biophysical properties (such as structural, functional, and spatial information, amino acid conservation, physicochemical variation, residue mobility, and thermodynamic stability) performed at Invitae indicates that this missense variant is not expected to disrupt MARVELD2 protein function with a negative predictive value of 80%. In summary, the available evidence is currently insufficient to determine the role of this variant in disease. Therefore, it has been classified as a Variant of Uncertain Significance.

NM_001038603.3(MARVELD2):c.802A>G (p.Ile268Val)

Gene: MARVELD2 (MARVEL domain containing 2; plus strand). Cytogenetic location: 5q13.2.
Variant type: single nucleotide variant.
Coding change: c.802A>G on transcript NM_001038603.3 (MANE Select); coding-DNA position 802, A replaced by G.
Protein change: p.Ile268Val; replaces isoleucine 268 with valine.
Molecular consequence: missense variant.
Genome position (GRCh38, 1-based): chr5:69,420,187, A>G. VCF-style: chr5-69420187-A-G. GRCh37 (hg19) VCF-style: chr5-68716014-A-G.
Other names: c.802A>G, p.Ile268Val (NM_001244734.2); short protein forms I268V.
Identifiers: ClinVar variation 1356139 (VCV001356139.7), dbSNP rs749471157, ClinGen allele CA3294119.
Genomic context (GRCh38, chr5:69,420,187, plus strand): 5'-TACACTGGCCCTAAGACCCCTTTTGTACTCGTGGTTGCTGGATTAGCTTGGATCACCACC[A>G]TTATTATTCTGGTTCTTGGCATGTCCATGTATTACCGGACCATTCTTCTGGACTCTAATT-3'
Protein context (NP_001033692.2, residues 258-278): VVAGLAWITT[Ile268Val]IILVLGMSMY